The following is an entry in ClinVar:

ClinVar aggregate classification (germline): Uncertain significance (1 of 4 stars; one submission).

Conditions:
Hereditary cancer-predisposing syndrome. Also called: Neoplastic Syndromes, Hereditary; Tumor predisposition; Hereditary Cancer Syndrome; Hereditary neoplastic syndrome. Identifiers: Orphanet 140162, MedGen C0027672, MeSH D009386, MONDO:0015356.

Submission:

Ambry Genetics
Classification: Uncertain significance for Hereditary cancer-predisposing syndrome. Last evaluated: 2025-10-14. Review status: criteria provided, single submitter. Criteria: Ambry Variant Classification Scheme 2023. Collection method: clinical testing. Allele origin: germline.
Comment: The p.K292Q variant (also known as c.874A>C), located in coding exon 8 of the EPCAM gene, results from an A to C substitution at nucleotide position 874. The lysine at codon 292 is replaced by glutamine, an amino acid with similar properties. This amino acid position is conserved. In addition, this alteration is predicted to be tolerated by in silico analysis. Based on the available evidence, the clinical significance of this variant remains unclear.

NM_002354.3(EPCAM):c.874A>C (p.Lys292Gln)

Gene: EPCAM (epithelial cell adhesion molecule; plus strand). Cytogenetic location: 2p21.
Variant type: single nucleotide variant.
Coding change: c.874A>C on transcript NM_002354.3 (MANE Select); coding-DNA position 874, A replaced by C.
Protein change: p.Lys292Gln; replaces lysine 292 with glutamine.
Molecular consequence: missense variant.
Genome position (GRCh38, 1-based): chr2:47,385,181, A>C. VCF-style: chr2-47385181-A-C. GRCh37 (hg19) VCF-style: chr2-47612320-A-C.
Other names: short protein forms K292Q.
Identifiers: ClinVar variation 4640399 (VCV004640399.1).